The following is an entry in ClinVar:

ClinVar aggregate classification (germline): Uncertain significance (1 of 4 stars; one submission).

Conditions:
Hereditary spastic paraplegia 48. Also called: SPASTIC PARAPLEGIA 48, AUTOSOMAL RECESSIVE; Spastic paraplegia 48. Identifiers: Orphanet 306511, MedGen C3150901, MONDO:0013342, OMIM 613647.

Allele frequency attached by ClinVar (database versions not stated): gnomAD exomes below 0.00001; ExAC 0.00001; gnomAD 0.00001; TOPMed 0.00001.

Submission:

Labcorp Genetics (formerly Invitae), Labcorp
Classification: Uncertain significance for Hereditary spastic paraplegia 48. Last evaluated: 2021-09-01. Review status: criteria provided, single submitter. Criteria: Invitae Variant Classification Sherloc (09022015). Collection method: clinical testing. Allele origin: germline.
Comment: This sequence change replaces glycine with aspartic acid at codon 271 of the AP5Z1 protein (p.Gly271Asp). The glycine residue is highly conserved and there is a moderate physicochemical difference between glycine and aspartic acid. This variant is present in population databases (rs780846649, ExAC 0.002%). This variant has not been reported in the literature in individuals affected with AP5Z1-related conditions. Algorithms developed to predict the effect of missense changes on protein structure and function are either unavailable or do not agree on the potential impact of this missense change (SIFT: "Tolerated"; PolyPhen-2: "Possibly Damaging"; Align-GVGD: "Class C0"). In summary, the available evidence is currently insufficient to determine the role of this variant in disease. Therefore, it has been classified as a Variant of Uncertain Significance.

NM_014855.3(AP5Z1):c.812G>A (p.Gly271Asp)

Gene: AP5Z1 (adaptor related protein complex 5 subunit zeta 1; plus strand). Cytogenetic location: 7p22.1.
Variant type: single nucleotide variant.
Coding change: c.812G>A on transcript NM_014855.3 (MANE Select); coding-DNA position 812, G replaced by A.
Protein change: p.Gly271Asp; replaces glycine 271 with aspartic acid.
Molecular consequence: missense variant. On other transcripts: non-coding transcript variant (1).
Genome position (GRCh38, 1-based): chr7:4,784,929, G>A. VCF-style: chr7-4784929-G-A. GRCh37 (hg19) VCF-style: chr7-4824560-G-A.
Other names: c.344G>A, p.Gly115Asp (NM_001364858.1); short protein forms G115D, G271D.
Identifiers: ClinVar variation 946919 (VCV000946919.7), dbSNP rs780846649, ClinGen allele CA4137406.
Genomic context (GRCh38, chr7:4,784,929, plus strand): 5'-GCCACACGTCAGCCTGCTGAGAGTTCCCACCTCCCGCAGATGACAGGTCAGAGCAGGAGG[G>A]CTCCACTCTGTCGGTGATCTCCGCCACCTCCTCTGCCGGCCGCCTGCTGCCGCCCCGGGA-3'
Protein context (NP_055670.1, residues 261-281): LDTDDRSEQE[Gly271Asp]STLSVISATS